The following is an entry in ClinVar:

NM_014681.6(DHX34):c.2219G>A (p.Arg740Gln)

Gene: DHX34 (DExH-box helicase 34; plus strand). Cytogenetic location: 19q13.32.
Variant type: single nucleotide variant.
Coding change: c.2219G>A on transcript NM_014681.6 (MANE Select); coding-DNA position 2219, G replaced by A.
Protein change: p.Arg740Gln; replaces arginine 740 with glutamine.
Molecular consequence: missense variant.
Genome position (GRCh38, 1-based): chr19:47,375,620, G>A. VCF-style: chr19-47375620-G-A. GRCh37 (hg19) VCF-style: chr19-47878877-G-A.
Other names: short protein forms R740Q.
Identifiers: ClinVar variation 770294 (VCV000770294.6), dbSNP rs7251713, ClinGen allele CA9538402.

ClinVar aggregate classification (germline): Benign. Review status: criteria provided, multiple submitters, no conflicts (2 of 4 stars). 3 submissions from 3 submitters: Benign (2). 1 of the submissions does not count toward it. Last evaluated 2018-06-10.

Conditions:
DHX34-related disorder. Also called: DHX34-related condition.

Allele frequency attached by ClinVar (database versions not stated): gnomAD 0.00386 and 0.00414; TOPMed 0.00437; 1000 Genomes Project 0.00419; 1000 Genomes Project 30x 0.00422; gnomAD exomes 0.00096; ExAC 0.00189; ESP Exome Variant Server 0.00267.

Submissions (3):

Labcorp Genetics (formerly Invitae), Labcorp
Classification: Benign. Last evaluated: 2018-06-10. Review status: criteria provided, single submitter. Criteria: Invitae Variant Classification Sherloc (09022015). Collection method: clinical testing. Allele origin: germline.

Breakthrough Genomics
Classification: Benign. Review status: criteria provided, single submitter. Criteria: ACMG Guidelines, 2015. Collection method: not provided. Allele origin: germline. Inheritance: Unknown mechanism. Affected: yes.

PreventionGenetics, part of Exact Sciences
Classification: Benign for DHX34-related condition. Last evaluated: 2019-12-23. Review status: no assertion criteria provided. Collection method: clinical testing. Allele origin: germline. Not counted in ClinVar's aggregate classification.
Comment: This variant is classified as benign based on ACMG/AMP sequence variant interpretation guidelines (Richards et al. 2015 PMID: 25741868, with internal and published modifications).